The following is an entry in ClinVar:

ClinVar aggregate classification (germline): Likely benign (1 of 4 stars; one submission).

Allele frequency attached by ClinVar (database versions not stated): gnomAD 0.00010; TOPMed 0.00010; 1000 Genomes Project 30x 0.00016; ExAC 0.00024.

Submission:

CeGaT Center for Human Genetics Tuebingen
Classification: Likely benign. Last evaluated: 2022-07-01. Review status: criteria provided, single submitter. Criteria: CeGaT Center For Human Genetics Tuebingen Variant Classification Criteria Version 2. Collection method: clinical testing. Allele origin: germline. Affected: yes. Observed: 1 variant allele.
Comment: VWA5B1: BP4, BP7

NM_001039500.3(VWA5B1):c.510C>T (p.Thr170=)

Gene: VWA5B1 (von Willebrand factor A domain containing 5B1; plus strand). Cytogenetic location: 1p36.12.
Variant type: single nucleotide variant.
Coding change: c.510C>T on transcript NM_001039500.3 (MANE Select); coding-DNA position 510, C replaced by T.
Protein change: p.Thr170=; no amino-acid change (threonine 170 retained).
Molecular consequence: synonymous variant.
Genome position (GRCh38, 1-based): chr1:20,314,539, C>T. VCF-style: chr1-20314539-C-T. GRCh37 (hg19) VCF-style: chr1-20641032-C-T.
Other names: c.195C>T, p.Thr65= (NM_001377531.1).
Identifiers: ClinVar variation 2638433 (VCV002638433.24), dbSNP rs779844740, ClinGen allele CA659201.